The following is an entry in ClinVar:

NM_000231.3(SGCG):c.505+335T>C

Gene: SGCG (sarcoglycan gamma; plus strand). Cytogenetic location: 13q12.12.
Variant type: single nucleotide variant.
Coding change: c.505+335T>C on transcript NM_000231.3 (MANE Select); 335 bases into the intron after coding-DNA position 505, T replaced by C.
Molecular consequence: intron variant.
Genome position (GRCh38, 1-based): chr13:23,279,813, T>C. VCF-style: chr13-23279813-T-C. GRCh37 (hg19) VCF-style: chr13-23853952-T-C.
Other names: c.559+335T>C (NM_001378244.1); c.505+335T>C (NM_001378245.1, NM_001378246.1).
Identifiers: ClinVar variation 684356 (VCV000684356.1), dbSNP rs9317612, ClinGen allele CA16462217.

ClinVar aggregate classification (germline): Benign (1 of 4 stars; one submission).

Allele frequency attached by ClinVar (database versions not stated): 1000 Genomes Project 0.54173; 1000 Genomes Project 30x 0.54200; TOPMed 0.61807; gnomAD 0.63502 and 0.63539.
gnomAD v4.1: 96,348 of 151,184 alleles (64%); highest among the groups gnomAD compares: Middle Eastern, 84%; 32,384 homozygotes.

Submission:

GeneDx
Classification: Benign. Last evaluated: 2018-06-19. Review status: criteria provided, single submitter. Criteria: GeneDx Variant Classification (06012015). Collection method: clinical testing. Allele origin: germline. Affected: yes.
Comment: This variant is considered likely benign or benign based on one or more of the following criteria: it is a conservative change, it occurs at a poorly conserved position in the protein, it is predicted to be benign by multiple in silico algorithms, and/or has population frequency not consistent with disease.